The following is an entry in ClinVar:

ClinVar aggregate classification (germline): Conflicting classifications of pathogenicity. Review status: criteria provided, conflicting classifications (1 of 4 stars). 6 submissions from 6 submitters: Uncertain significance (4); Likely benign (2). Last evaluated 2025-08-08.

Conditions:
TTN-related myopathy. Identifiers: MedGen CN294812, MONDO:0100175.
Cardiomyopathy (CMYO). Also called: Cardiomyopathies. Identifiers: Orphanet 167848, MedGen C0878544, MONDO:0004994, HP:0001638. Inheritance: Various modes of inheritance.
TTN-related disorder. Also called: TTN-related condition; TTN-related disease; TTN-related disorders.

Allele frequency attached by ClinVar (database versions not stated): TOPMed 0.00004; gnomAD exomes 0.00006 and 0.00004; ExAC 0.00004; gnomAD 0.00004.
gnomAD v4.1: 92 of 1,613,534 alleles (0.0057%); highest among the groups gnomAD compares: Non-Finnish European, 0.0073%; 1 homozygote.

Submissions (6):

Revvity Omics, Revvity
Classification: Uncertain significance. Last evaluated: 2025-08-08. Review status: criteria provided, single submitter. Criteria: ACMG Guidelines, 2015. Collection method: clinical testing. Allele origin: germline.

PreventionGenetics, part of Exact Sciences
Classification: Uncertain significance for TTN-related condition. Last evaluated: 2025-06-13. Review status: criteria provided, single submitter. Criteria: ACMG Guidelines, 2015. Collection method: clinical testing. Allele origin: germline.
Comment: The TTN c.85723G>A variant is predicted to result in the amino acid substitution p.Glu28575Lys. To our knowledge, this variant has not been reported in the literature. This variant is reported in 0.0078% of alleles in individuals of European (Non-Finnish) descent in gnomAD. At this time, the clinical significance of this variant is uncertain due to the absence of conclusive functional and genetic evidence.

Molecular Diagnostic Laboratory for Inherited Cardiovascular Disease, Montreal Heart Institute
Classification: Likely benign. Last evaluated: 2025-04-09. Review status: criteria provided, single submitter. Criteria: ACMG Guidelines, 2015. Collection method: clinical testing. Allele origin: germline. Affected: no.

GeneDx
Classification: Likely benign. Last evaluated: 2021-05-10. Review status: criteria provided, single submitter. Criteria: GeneDx Variant Classification Process June 2021. Collection method: clinical testing. Allele origin: germline. Affected: yes.

Department of Pathology and Laboratory Medicine, Sinai Health System
Classification: Uncertain significance for TTN-related myopathy. Last evaluated: 2021-01-07. Review status: criteria provided, single submitter. Criteria: ACMG Guidelines, 2015. Collection method: research. Allele origin: germline.

CHEO Genetics Diagnostic Laboratory, Children's Hospital of Eastern Ontario
Classification: Uncertain significance for Cardiomyopathy. Last evaluated: 2016-04-07. Review status: criteria provided, single submitter. Criteria: ACMG Guidelines, 2015. Collection method: clinical testing. Allele origin: germline. Study: Canadian Open Genetics Repository.

NM_001267550.2(TTN):c.85723G>A (p.Glu28575Lys)

Genes: TTN (titin; minus strand), TTN-AS1 (TTN antisense RNA 1; plus strand). Cytogenetic location: 2q31.2.
Variant type: single nucleotide variant.
Coding change: c.85723G>A on transcript NM_001267550.2 (MANE Select); coding-DNA position 85723, G replaced by A.
Protein change: p.Glu28575Lys; replaces glutamic acid 28575 with lysine.
Molecular consequence: missense variant.
Genome position (GRCh38, 1-based): chr2:178,560,409, C>T on the plus strand (G>A on the coding strand, the complement: TTN is on the minus strand). VCF-style: chr2-178560409-C-T. GRCh37 (hg19) VCF-style: chr2-179425136-C-T.
Other names: c.80800G>A, p.Glu26934Lys (NM_001256850.1); c.58528G>A, p.Glu19510Lys (NM_003319.4); c.78019G>A, p.Glu26007Lys (NM_133378.4); c.58903G>A, p.Glu19635Lys (NM_133432.3); c.59104G>A, p.Glu19702Lys (NM_133437.4); short protein forms E26934K, E28575K, E19635K, E19702K, E19510K, E26007K.
Identifiers: ClinVar variation 626651 (VCV000626651.10), dbSNP rs760762822, ClinGen allele CA1988597.